The following is an entry in ClinVar:

NM_173825.5(RABL3):c.192A>G (p.Leu64=)

Gene: RABL3 (RAB, member of RAS oncogene family like 3; minus strand). Cytogenetic location: 3q13.33.
Variant type: single nucleotide variant.
Coding change: c.192A>G on transcript NM_173825.5 (MANE Select); coding-DNA position 192, A replaced by G.
Protein change: p.Leu64=; no amino-acid change (leucine 64 retained).
Molecular consequence: synonymous variant. On other transcripts: non-coding transcript variant (1).
Genome position (GRCh38, 1-based): chr3:120,709,856, T>C on the plus strand (A>G on the coding strand, the complement: RABL3 is on the minus strand). VCF-style: chr3-120709856-T-C. GRCh37 (hg19) VCF-style: chr3-120428703-T-C.
Other names: c.192A>G, p.Leu64= (NM_001363964.1, NM_001363965.1).
Identifiers: ClinVar variation 3030482 (VCV003030482.2), dbSNP rs145748640, ClinGen allele CA2560588.

ClinVar aggregate classification (germline): Likely benign (0 of 4 stars; one submission).

Conditions:
RABL3-related disorder. Also called: RABL3-related condition.

Allele frequency attached by ClinVar (database versions not stated): gnomAD 0.00006; TOPMed 0.00006; ESP Exome Variant Server 0.00008.
gnomAD v4.1: 49 of 1,610,896 alleles (0.003%); highest among the groups gnomAD compares: African/African-American, 0.019%; no homozygotes.

Submission:

PreventionGenetics, part of Exact Sciences
Classification: Likely benign for RABL3-related condition. Last evaluated: 2023-12-04. Review status: no assertion criteria provided. Collection method: clinical testing. Allele origin: germline.
Comment: This variant is classified as likely benign based on ACMG/AMP sequence variant interpretation guidelines (Richards et al. 2015 PMID: 25741868, with internal and published modifications).